The following is an entry in ClinVar:

NM_001244008.2(KIF1A):c.2757GGA[7] (p.Glu922_Asp923insGluGluGlu)

Gene: KIF1A (kinesin family member 1A; minus strand). Cytogenetic location: 2q37.3.
Variant type: Microsatellite.
Coding change: c.2757GGA[7] on transcript NM_001244008.2 (MANE Select); seven copies in a row of the 3-base unit GGA starting at c.2757; the reference has four copies in a row; three copies, 9 bases duplicated.
Protein change: p.Glu922_Asp923insGluGluGlu.
Molecular consequence: inframe insertion. On other transcripts: inframe indel (2), intron variant (18).
Genome position (GRCh38, 1-based): chr2:240,757,409-240,757,417, TCCTCCTCC duplicated on the plus strand (GGAGGAGGA on the coding strand, the reverse complement: KIF1A is on the minus strand); duplicating any 9 consecutive bases within chr2:240,757,409-240,757,422 gives the same sequence; the position shown is the placement nearest the transcript's 3' end. VCF-style (leftmost placement, unchanged base first): chr2-240757408-G-GTCCTCCTCC. GRCh37 (hg19) VCF-style: chr2-241696825-G-GTCCTCCTCC.
Other names: c.2760_2768dup9 (NM_001244008.1); c.2755_2757GAG[7], p.Glu922_Asp923insGluGluGlu (NM_001244008.1); c.2832GGA[7], p.Glu947_Asp948insGluGluGlu (NM_001379631.1); c.2706GGA[7], p.Glu905_Asp906insGluGluGlu (NM_001379632.1); c.2730GGA[7], p.Glu913_Asp914insGluGluGlu (NM_001379633.1, NM_001379642.1, NM_001379645.1); c.2555+940GGA[7] (NM_001379653.1, NM_001379650.1, NM_001379640.1 and 6 more transcripts); c.2657+940GGA[7] (NM_001379635.1, NM_001330290.2, NM_001379646.1 and 1 more transcripts); c.2630+940GGA[7] (NM_001379637.1, NM_001379648.1); and 1 more.
Identifiers: ClinVar variation 4979300 (VCV004979300.1).

ClinVar aggregate classification (germline): Uncertain significance (1 of 4 stars; one submission).

Conditions:
KIF1A-related disorder. Also called: KIF1A-related disorders; KIF1A-related condition.

Submission:

PreventionGenetics, part of Exact Sciences
Classification: Uncertain significance for KIF1A-related condition. Last evaluated: 2026-04-09. Review status: criteria provided, single submitter. Criteria: ACMG Guidelines, 2015. Collection method: clinical testing. Allele origin: germline.
Comment: The KIF1A c.2760_2768dup9 variant is predicted to result in an in-frame duplication (p.Glu920_Glu922dup). To our knowledge, this variant has not been reported in the literature or in a large population database (gnomAD), indicating this variant is rare. At this time, the clinical significance of this variant is uncertain due to the absence of conclusive functional and genetic evidence.